The following is an entry in ClinVar:

ClinVar aggregate classification (germline): Uncertain significance (1 of 4 stars; one submission).

Submission:

GeneDx
Classification: Uncertain significance. Last evaluated: 2024-03-28. Review status: criteria provided, single submitter. Criteria: GeneDx Variant Classification Process June 2021. Collection method: clinical testing. Allele origin: germline. Affected: yes.
Comment: Has not been previously published as pathogenic or benign to our knowledge; Not observed at significant frequency in large population cohorts (gnomAD); In silico analysis supports that this missense variant does not alter protein structure/function; Not located in the triple helical region, where the majority of pathogenic missense variants occur (HGMD; PMID: 25240749); This variant is associated with the following publications: (PMID: 25240749)

NM_001854.4(COL11A1):c.4685A>C (p.Gln1562Pro)

Gene: COL11A1 (collagen type XI alpha 1 chain; minus strand). Cytogenetic location: 1p21.1.
Variant type: single nucleotide variant.
Coding change: c.4685A>C on transcript NM_001854.4 (MANE Select); coding-DNA position 4685, A replaced by C.
Protein change: p.Gln1562Pro; replaces glutamine 1562 with proline.
Molecular consequence: missense variant. On other transcripts: non-coding transcript variant (1).
Genome position (GRCh38, 1-based): chr1:102,886,980, T>G on the plus strand (A>C on the coding strand, the complement: COL11A1 is on the minus strand). VCF-style: chr1-102886980-T-G. GRCh37 (hg19) VCF-style: chr1-103352536-T-G.
Other names: c.4568A>C, p.Gln1523Pro (NM_001190709.2); c.4721A>C, p.Gln1574Pro (NM_080629.3); c.4337A>C, p.Gln1446Pro (NM_080630.4); short protein forms Q1446P, Q1523P, Q1562P, Q1574P.
Identifiers: ClinVar variation 3371548 (VCV003371548.1).